The following is an entry in ClinVar:

ClinVar aggregate classification (germline): Conflicting classifications of pathogenicity. Review status: criteria provided, conflicting classifications (1 of 4 stars). 3 submissions from 3 submitters: Likely pathogenic (1); Uncertain significance (2). Last evaluated 2025-02-25.

Conditions:
Neurodevelopmental disorder with hypotonia, facial dysmorphism, and brain abnormalities (NEDHFBA). Also called: EL-HATTAB-SCHMIDTS SYNDROME; PPP1R21-Related El-Hattab-Schmidts Syndrome. Identifiers: MedGen C5543591, MONDO:0859165, OMIM 619383.

Allele frequency attached by ClinVar (database versions not stated): gnomAD 0.00001; gnomAD exomes 0.00001 and 0.00002; ExAC 0.00002; TOPMed 0.00002.
gnomAD v4.1: 20 of 1,592,810 alleles (0.0013%); highest among the groups gnomAD compares: Non-Finnish European, 0.0017%; no homozygotes.

Submissions (3):

GeneDx
Classification: Uncertain significance. Last evaluated: 2025-02-25. Review status: criteria provided, single submitter. Criteria: GeneDx Variant Classification Process June 2021. Collection method: clinical testing. Allele origin: germline. Affected: yes.
Comment: Canonical splice site variant predicted to result in an in-frame loss of the adjacent exon in a gene for which loss of function is a known mechanism of disease; Has not been previously published as pathogenic or benign to our knowledge

Department of Pathology and Laboratory Medicine, Sinai Health System
Classification: Likely pathogenic for Neurodevelopmental disorder with hypotonia, facial dysmorphism, and brain abnormalities. Last evaluated: 2023-05-04. Review status: criteria provided, single submitter. Criteria: ACMG Guidelines, 2015. Collection method: research. Allele origin: germline.

CeGaT Center for Human Genetics Tuebingen
Classification: Uncertain significance. Last evaluated: 2021-08-01. Review status: criteria provided, single submitter. Criteria: CeGaT Center For Human Genetics Tuebingen Variant Classification Criteria Version 2. Collection method: clinical testing. Allele origin: germline. Affected: yes. Observed: 1 variant allele.

NM_001135629.3(PPP1R21):c.1226-1G>C

Gene: PPP1R21 (protein phosphatase 1 regulatory subunit 21; plus strand). Cytogenetic location: 2p16.3.
Variant type: single nucleotide variant.
Coding change: c.1226-1G>C on transcript NM_001135629.3 (MANE Select); the canonical splice acceptor site of the intron before coding-DNA position 1226, G replaced by C.
Molecular consequence: splice acceptor variant.
Genome position (GRCh38, 1-based): chr2:48,479,923, G>C. VCF-style: chr2-48479923-G-C. GRCh37 (hg19) VCF-style: chr2-48707062-G-C.
Other names: c.1226-1G>C (NM_152994.5, NM_001193475.2).
Identifiers: ClinVar variation 1298807 (VCV001298807.37), dbSNP rs778549403, ClinGen allele CA1651221.